The following is an entry in ClinVar:

NC_000012.12:g.109115044_109274670dup

Genes: ACACB (acetyl-CoA carboxylase beta; plus strand), LOC124819395 (Sharpr-MPRA regulatory region 176; plus strand), LOC130008713 (ATAC-STARR-seq lymphoblastoid silent region 4839; plus strand), LOC130008714 (ATAC-STARR-seq lymphoblastoid active region 6984; plus strand). Cytogenetic location: 12q24.11.
Variant type: Duplication.
Identifiers: ClinVar variation 157261 (VCV000157261.3).

ClinVar aggregate classification (germline): not provided (0 of 4 stars; one submission).

Conditions:
Normal pregnancy. Identifiers: MedGen C0232989.

Submission:

Institute of Molecular and Cell Biology, University of Tartu
No classification provided. Condition: Normal pregnancy. Review status: no classification provided. Collection method: case-control. Allele origin: unknown. Affected: yes. Study: Kasak2014.
Comment: The study aimed to determine the contribution of copy number variants in the genetic etiology of normal and complicated pregnancies. The samples represented (i) maternal blood DNA drawn from healthy pregnant women during 1st or 2nd trimester and (ii) maternal and paternal blood DNA drawn at term pregnancy cases representing normal and complicated gestations (severe preeclampsia, PE; gestational diabetes, GD; small-for-gestational age newborn, SGA; large-for-gestational age newborn, LGA). We performed CNV calling based on genome-wide genotyping dataset (Illumina HumanOmniExpress-24-v1 BeadChip) by applying three algorithms, QuantiSNP, GADA (Genome Alteration Detection Algorithm) and CNstream in parallel. The acquired CNV calls were merged with HD-CNV (Hotspot Detector for Copy Number Variants) program and only the CNVs predicted by at least two programs, were considered in subsequent analysis.

Literature cited by the submitters: PubMed 25666259.